The following is an entry in ClinVar:

NM_017654.4(SAMD9):c.1216G>T (p.Asp406Tyr)

Gene: SAMD9 (sterile alpha motif domain containing 9; minus strand). Cytogenetic location: 7q21.2.
Variant type: single nucleotide variant.
Coding change: c.1216G>T on transcript NM_017654.4 (MANE Select); coding-DNA position 1216, G replaced by T.
Protein change: p.Asp406Tyr; replaces aspartic acid 406 with tyrosine.
Molecular consequence: missense variant.
Genome position (GRCh38, 1-based): chr7:93,104,882, C>A on the plus strand (G>T on the coding strand, the complement: SAMD9 is on the minus strand). VCF-style: chr7-93104882-C-A. GRCh37 (hg19) VCF-style: chr7-92734195-C-A.
Other names: c.1216G>T, p.Asp406Tyr (NM_001193307.2); short protein forms D406Y.
Identifiers: ClinVar variation 4159208 (VCV004159208.1).
Genomic context (GRCh38, chr7:93,104,882, plus strand): 5'-TTGTTTGATCTGGGTGGCATTTATTTGTTACAAGAATGTACTGTTCATAGTATGAATTAT[C>A]TAACAAATCTTGATTTCCTGTCAATAATTTAACCAACTTTGGTCCCTCTCTTTCTTTTTT-3'
Protein context (NP_060124.2, residues 396-416): KLLTGNQDLL[Asp406Tyr]NSYYEQYILV

ClinVar aggregate classification (germline): Uncertain significance (1 of 4 stars; one submission).

Conditions:
Inborn genetic diseases. Identifiers: MedGen C0950123, MeSH D030342.

Submission:

Ambry Genetics
Classification: Uncertain significance for Inborn genetic diseases. Last evaluated: 2025-09-01. Review status: criteria provided, single submitter. Criteria: Ambry Variant Classification Scheme 2023. Collection method: clinical testing. Allele origin: germline.
Comment: The p.D406Y variant (also known as c.1216G>T), located in coding exon 1 of the SAMD9 gene, results from a G to T substitution at nucleotide position 1216. The aspartic acid at codon 406 is replaced by tyrosine, an amino acid with highly dissimilar properties. This amino acid position is conserved. In addition, the in silico prediction for this alteration is inconclusive. Based on the available evidence, the clinical significance of this variant remains unclear.